The following is an entry in ClinVar:

ClinVar aggregate classification (germline): Uncertain significance (1 of 4 stars; one submission).

Submission:

Labcorp Genetics (formerly Invitae), Labcorp
Classification: Uncertain significance. Last evaluated: 2025-11-08. Review status: criteria provided, single submitter. Criteria: Invitae Variant Classification Sherloc (09022015). Collection method: clinical testing. Allele origin: germline.
Comment: This sequence change replaces glycine, which is neutral and non-polar, with valine, which is neutral and non-polar, at codon 416 of the NFKB1 protein (p.Gly416Val). This variant is not present in population databases (gnomAD no frequency). This variant has not been reported in the literature in individuals affected with NFKB1-related conditions. ClinVar contains an entry for this variant (Variation ID: 1382669). Invitae Evidence Modeling of protein sequence and biophysical properties (such as structural, functional, and spatial information, amino acid conservation, physicochemical variation, residue mobility, and thermodynamic stability) indicates that this missense variant is not expected to disrupt NFKB1 protein function with a negative predictive value of 80%. In summary, the available evidence is currently insufficient to determine the role of this variant in disease. Therefore, it has been classified as a Variant of Uncertain Significance.

NM_003998.4(NFKB1):c.1247G>T (p.Gly416Val)

Gene: NFKB1 (nuclear factor kappa B subunit 1; plus strand). Cytogenetic location: 4q24.
Variant type: single nucleotide variant.
Coding change: c.1247G>T on transcript NM_003998.4 (MANE Select); coding-DNA position 1247, G replaced by T.
Protein change: p.Gly416Val; replaces glycine 416 with valine.
Molecular consequence: missense variant.
Genome position (GRCh38, 1-based): chr4:102,594,928, G>T. VCF-style: chr4-102594928-G-T. GRCh37 (hg19) VCF-style: chr4-103516085-G-T.
Other names: c.1244G>T, p.Gly415Val (NM_001165412.2, NM_001319226.2, NM_001382627.1); c.1247G>T, p.Gly416Val (NM_001382625.1, NM_001382626.1); c.1205G>T, p.Gly402Val (NM_001382628.1); short protein forms G402V, G415V, G416V.
Identifiers: ClinVar variation 1382669 (VCV001382669.6), dbSNP rs2149205057, ClinGen allele CA357750670.